The following is an entry in ClinVar:

NC_000017.10:g.(?_41228485)_(41277500_?)del

Gene: BRCA1 (BRCA1 DNA repair associated; minus strand). Cytogenetic location: 17q21.31.
Variant type: Deletion.
Identifiers: ClinVar variation 1456291 (VCV001456291.9).

ClinVar aggregate classification (germline): Pathogenic (1 of 4 stars; one submission).

Conditions:
Hereditary breast ovarian cancer syndrome. Also called: Hereditary breast and ovarian cancer; Breast and ovarian cancer; BRCA1- and BRCA2-Associated Hereditary Breast and Ovarian Cancer; Hereditary breast and/or ovarian cancer syndrome; Hereditary breast and ovarian cancer syndrome; Hereditary breast and ovarian cancer syndrome (HBOC). Identifiers: Orphanet 145, MedGen C0677776, MeSH D061325, MONDO:0003582. Disease mechanism: loss of function.

Submission:

Labcorp Genetics (formerly Invitae), Labcorp
Classification: Pathogenic for Hereditary breast ovarian cancer syndrome. Last evaluated: 2023-04-06. Review status: criteria provided, single submitter. Criteria: Invitae Variant Classification Sherloc (09022015). Collection method: clinical testing. Allele origin: germline.
Comment: For these reasons, this variant has been classified as Pathogenic. A similar copy number variant has been observed in individual(s) with a personal and family history of breast and ovarian cancer (PMID: 23683081, 23967248). This variant is a gross deletion of the genomic region encompassing exon(s) 1-13 of the BRCA1 gene, which includes the initiator codon. This deletion extends beyond the assayed region for this gene and therefore may encompass additional genes. It is expected to result in an absent or disrupted protein product. Loss-of-function variants in BRCA1 are known to be pathogenic (PMID: 20104584).

Literature cited by the submitters: PubMed 23683081; PubMed 23967248; PubMed 20104584.